The following is an entry in ClinVar:

NM_178857.6(RP1L1):c.4631G>A (p.Arg1544His)

Gene: RP1L1 (RP1 like 1). Cytogenetic location: 8p23.1.
Variant type: single nucleotide variant.
Coding change: c.4631G>A on transcript NM_178857.6 (MANE Select); coding-DNA position 4631, G replaced by A.
Protein change: p.Arg1544His; replaces arginine 1544 with histidine.
Molecular consequence: missense variant.
Genome position (GRCh38, 1-based): chr8:10,609,467, C>T on the plus strand (G>A on the coding strand, the complement: RP1L1 is on the minus strand). VCF-style: chr8-10609467-C-T. GRCh37 (hg19) VCF-style: chr8-10466977-C-T.
Other names: short protein forms R1544H.
Identifiers: ClinVar variation 1310514 (VCV001310514.6), dbSNP rs371249670, ClinGen allele CA4623950.

ClinVar aggregate classification (germline): Uncertain significance. Review status: criteria provided, multiple submitters, no conflicts (2 of 4 stars). 3 submissions from 3 submitters: Uncertain significance (3). Last evaluated 2025-05-14.

Conditions:
Inborn genetic diseases. Identifiers: MedGen C0950123, MeSH D030342.

Allele frequency attached by ClinVar (database versions not stated): gnomAD exomes 0.00004; ExAC 0.00008; ESP Exome Variant Server 0.00024.

Submissions (3):

Ambry Genetics
Classification: Uncertain significance for Inborn genetic diseases. Last evaluated: 2025-05-14. Review status: criteria provided, single submitter. Criteria: Ambry Variant Classification Scheme 2023. Collection method: clinical testing. Allele origin: germline.

Blueprint Genetics
Classification: Uncertain significance. Last evaluated: 2021-11-23. Review status: criteria provided, single submitter. Criteria: ACMG Guidelines, 2015. Collection method: clinical testing. Allele origin: germline.

GeneDx
Classification: Uncertain significance. Last evaluated: 2019-12-02. Review status: criteria provided, single submitter. Criteria: GeneDx Variant Classification Process June 2021. Collection method: clinical testing. Allele origin: germline. Affected: yes.
Comment: In silico analysis, which includes protein predictors and evolutionary conservation, supports that this variant does not alter protein structure/function; Has not been previously published as pathogenic or benign to our knowledge